The following is an entry in ClinVar:

ClinVar aggregate classification (germline): other (0 of 4 stars; one submission).

Conditions:
Familial colorectal cancer. Identifiers: MedGen CN280943, MONDO:0023113. Disease mechanism: loss of function.

Submission:

Systems Biology Platform Zhejiang California International NanoSystems Institute
Classification: other for Familial colorectal cancer. Review status: no assertion criteria provided. Collection method: not provided. Allele origin: unknown.
ClinVar note: Converted during submission from cancer to other.

NM_000038.6(APC):c.645+3276T>C

Gene: APC (APC regulator of WNT signaling pathway; plus strand). Cytogenetic location: 5q22.2.
Variant type: single nucleotide variant.
Coding change: c.645+3276T>C on transcript NM_000038.6 (MANE Select); 3276 bases into the intron after coding-DNA position 645, T replaced by C.
Molecular consequence: intron variant.
Genome position (GRCh38, 1-based): chr5:112,784,179, T>C. VCF-style: chr5-112784179-T-C. GRCh37 (hg19) VCF-style: chr5-112119876-T-C.
Other names: c.645+3276T>C (NM_001354895.2, NM_001127510.3, NM_001354896.2 and 2 more transcripts); c.675+3276T>C (NM_001354897.2, NM_001354902.2, NM_001127511.3); c.570+3276T>C (NM_001354898.2, NM_001354904.2); c.-391+3276T>C (NM_001354906.2); c.468+3276T>C (NM_001354900.2, NM_001354901.2, NM_001354905.2).
Identifiers: ClinVar variation 82443 (VCV000082443.2), dbSNP rs75980116, ClinGen allele CA011414.